The following is an entry in ClinVar:

ClinVar aggregate classification (germline): Uncertain significance (1 of 4 stars; one submission).

Conditions:
Tuberous sclerosis 2 (TSC2). Identifiers: Orphanet 805, MedGen C1860707, MONDO:0013199, OMIM 613254.

Submission:

Labcorp Genetics (formerly Invitae), Labcorp
Classification: Uncertain significance for Tuberous sclerosis 2. Last evaluated: 2025-05-05. Review status: criteria provided, single submitter. Criteria: Invitae Variant Classification Sherloc (09022015). Collection method: clinical testing. Allele origin: germline.
Comment: This sequence change replaces proline, which is neutral and non-polar, with arginine, which is basic and polar, at codon 669 of the TSC2 protein (p.Pro669Arg). This variant is not present in population databases (gnomAD no frequency). This variant has not been reported in the literature in individuals affected with TSC2-related conditions. ClinVar contains an entry for this variant (Variation ID: 2712879). Invitae Evidence Modeling of protein sequence and biophysical properties (such as structural, functional, and spatial information, amino acid conservation, physicochemical variation, residue mobility, and thermodynamic stability) indicates that this missense variant is not expected to disrupt TSC2 protein function with a negative predictive value of 95%. In summary, the available evidence is currently insufficient to determine the role of this variant in disease. Therefore, it has been classified as a Variant of Uncertain Significance.

NM_000548.5(TSC2):c.2006C>G (p.Pro669Arg)

Gene: TSC2 (TSC complex subunit 2; plus strand). Cytogenetic location: 16p13.3.
Variant type: single nucleotide variant.
Coding change: c.2006C>G on transcript NM_000548.5 (MANE Select); coding-DNA position 2006, C replaced by G.
Protein change: p.Pro669Arg; replaces proline 669 with arginine.
Molecular consequence: missense variant. On other transcripts: non-coding transcript variant (5).
Genome position (GRCh38, 1-based): chr16:2,071,843, C>G. VCF-style: chr16-2071843-C-G. GRCh37 (hg19) VCF-style: chr16-2121844-C-G.
Other names: c.2006C>G, p.Pro669Arg (NM_001077183.3, NM_001114382.3, NM_001363528.2 and 6 more transcripts); c.1895C>G, p.Pro632Arg (NM_001318827.2, NM_001406678.1, NM_001406670.1); c.1859C>G, p.Pro620Arg (NM_001318829.2, NM_001406675.1, NM_001406676.1 and 1 more transcripts); c.1406C>G, p.Pro469Arg (NM_001318831.2, NM_001406680.1, NM_001406682.1 and 6 more transcripts); c.2039C>G, p.Pro680Arg (NM_001318832.2); c.1994C>G, p.Pro665Arg (NM_001406673.1, NM_001406671.1); c.1949C>G, p.Pro650Arg (NM_001406677.1); c.1544C>G, p.Pro515Arg (NM_001406681.1); and 3 more; short protein forms P135R, P221R, P620R, P469R, P515R, P632R, P669R, P680R.
Identifiers: ClinVar variation 2712879 (VCV002712879.3), dbSNP rs794727221, ClinGen allele CA394274457.